The following is an entry in ClinVar:

NM_015158.5(KANK1):c.920dup (p.Asn307fs)

Gene: KANK1 (KN motif and ankyrin repeat domains 1; plus strand). Cytogenetic location: 9p24.3.
Variant type: Duplication.
Coding change: c.920dup on transcript NM_015158.5 (MANE Select); coding-DNA position 920, one base duplicated (A; older notation c.920dupA).
Protein change: p.Asn307fs; shifts the reading frame from asparagine 307.
Molecular consequence: frameshift variant. On other transcripts: non-coding transcript variant (1).
Genome position (GRCh38, 1-based): chr9:711,686, A duplicated; the last of 5 consecutive A bases (chr9:711,682-711,686); duplicating any one gives the same sequence. VCF-style (leftmost placement, unchanged base first): chr9-711681-G-GA. GRCh37 (hg19) VCF-style: chr9-711681-G-GA.
Other names: c.446dup, p.Asn149fs (NM_001354342.2, NM_001354343.2, NM_001354344.2 and 9 more transcripts); c.920dup, p.Asn307fs (NM_001256876.3, NM_001256877.3, NM_001354331.2 and 2 more transcripts); short protein forms N307fs, N149fs.
Identifiers: ClinVar variation 2032253 (VCV002032253.4), dbSNP rs2539705817, ClinGen allele CA2580080217.

ClinVar aggregate classification (germline): Uncertain significance (1 of 4 stars; one submission).

Submission:

Labcorp Genetics (formerly Invitae), Labcorp
Classification: Uncertain significance. Last evaluated: 2023-07-10. Review status: criteria provided, single submitter. Criteria: Invitae Variant Classification Sherloc (09022015). Collection method: clinical testing. Allele origin: germline.
Comment: In summary, the available evidence is currently insufficient to determine the role of this variant in disease. Therefore, it has been classified as a Variant of Uncertain Significance. ClinVar contains an entry for this variant (Variation ID: 2032253). This variant has not been reported in the literature in individuals affected with KANK1-related conditions. This variant is not present in population databases (gnomAD no frequency). This sequence change creates a premature translational stop signal (p.Asn307Lysfs*19) in the KANK1 gene. It is expected to result in an absent or disrupted protein product. However, the current clinical and genetic evidence is not sufficient to establish whether loss-of-function variants in KANK1 cause disease.